The following is an entry in ClinVar:

NM_000277.3(PAH):c.169-7C>G

Gene: PAH (phenylalanine hydroxylase; minus strand). Cytogenetic location: 12q23.2.
Variant type: single nucleotide variant.
Coding change: c.169-7C>G on transcript NM_000277.3 (MANE Select); 7 bases into the intron before coding-DNA position 169, C replaced by G.
Molecular consequence: intron variant.
Genome position (GRCh38, 1-based): chr12:102,894,925, G>C on the plus strand (C>G on the coding strand, the complement: PAH is on the minus strand). VCF-style: chr12-102894925-G-C. GRCh37 (hg19) VCF-style: chr12-103288703-G-C.
Other names: c.169-7C>G (NM_001354304.2).
Identifiers: ClinVar variation 1475531 (VCV001475531.6), dbSNP rs2136702235, ClinGen allele CA2573147925.

ClinVar aggregate classification (germline): Uncertain significance (1 of 4 stars; one submission).

Conditions:
Phenylketonuria (PKU). Also called: OLIGOPHRENIA PHENYLPYRUVICA; Phenylketonurias; Phenylketonuria (PKU); FOLLING DISEASE. Identifiers: Orphanet 716, MedGen C0031485, MONDO:0009861, OMIM 261600. Disease mechanism: loss of function.

gnomAD v4.1: 4 of 1,606,342 alleles (0.00025%); highest among the groups gnomAD compares: Non-Finnish European, 0.00034%; no homozygotes.

Submission:

Labcorp Genetics (formerly Invitae), Labcorp
Classification: Uncertain significance for Phenylketonuria. Last evaluated: 2021-12-17. Review status: criteria provided, single submitter. Criteria: Invitae Variant Classification Sherloc (09022015). Collection method: clinical testing. Allele origin: germline.
Comment: In summary, the available evidence is currently insufficient to determine the role of this variant in disease. Therefore, it has been classified as a Variant of Uncertain Significance. Algorithms developed to predict the effect of sequence changes on RNA splicing suggest that this variant is not likely to affect RNA splicing. This variant has not been reported in the literature in individuals affected with PAH-related conditions. This variant is not present in population databases (gnomAD no frequency). This sequence change falls in intron 2 of the PAH gene. It does not directly change the encoded amino acid sequence of the PAH protein.